The following is an entry in ClinVar:

NM_000179.3(MSH6):c.*85T>A

Genes: FBXO11 (F-box protein 11; minus strand), MSH6 (mutS homolog 6; plus strand). Cytogenetic location: 2p16.3.
Variant type: single nucleotide variant.
Coding change: c.*85T>A on transcript NM_000179.3 (MANE Select); 85 bases downstream of the stop codon, T replaced by A.
Molecular consequence: 3 prime UTR variant. On other transcripts: non-coding transcript variant (4), intron variant (6).
Genome position (GRCh38, 1-based): chr2:47,806,945, T>A. VCF-style: chr2-47806945-T-A. GRCh37 (hg19) VCF-style: chr2-48034084-T-A.
Other names: c.*85T>A (NM_001281492.2, NM_001281493.2, NM_001281494.2 and 27 more transcripts); c.*189T>A (NM_001406800.1); c.*149T>A (NM_001406801.1, NM_001406802.1, NM_001406808.1 and 1 more transcripts); c.*1173A>T (NM_001190274.2, NM_001374325.1, NM_025133.4); c.*43+42T>A (NM_001406809.1); c.*40+45T>A (NM_001406796.1, NM_001406811.1, NM_001406805.1 and 2 more transcripts).
Identifiers: ClinVar variation 89155 (VCV000089155.53), dbSNP rs2020906, ClinGen allele CA016549.
Genomic context (GRCh38, chr2:47,806,945, plus strand): 5'-TTGACTTCTGACAAAGGTGGTAAATTCAGACAACATTATGATCTAATAAACTTTATTTTT[T>A]AAAAATGACCATTTTTCCATTTTCTTTCTAGGAAATTAAACCCTTTTAATTCTTATCTAC-3'

ClinVar aggregate classification (germline): Conflicting classifications of pathogenicity. Review status: criteria provided, conflicting classifications (1 of 4 stars). 9 submissions from 9 submitters: Uncertain significance (1); Benign (4); Likely benign (3). 1 of the submissions does not count toward it. Last evaluated 2026-09-01.

Conditions:
Hereditary cancer. Identifiers: MedGen C1333600.
Hereditary nonpolyposis colorectal neoplasms. Identifiers: MedGen C0009405, MeSH D003123.
Endometrial carcinoma. Also called: Endometrial carcinoma, somatic. Identifiers: MedGen C0476089, MONDO:0002447, OMIM 608089, HP:0012114.
Lynch syndrome 5 (LYNCH5). Also called: Colorectal cancer, hereditary nonpolyposis, type 5; Hereditary non-polyposis colorectal cancer, type 5. Identifiers: Orphanet 144, MedGen C1833477, MONDO:0013710, OMIM 614350. Disease mechanism: loss of function.
Hereditary cancer-predisposing syndrome. Also called: Neoplastic Syndromes, Hereditary; Tumor predisposition; Hereditary Cancer Syndrome; Hereditary neoplastic syndrome. Identifiers: Orphanet 140162, MedGen C0027672, MeSH D009386, MONDO:0015356.

Allele frequency attached by ClinVar (database versions not stated): 1000 Genomes Project 30x 0.00187; 1000 Genomes Project 0.00200; TOPMed 0.00466; gnomAD 0.00633 and 0.00645.
gnomAD v4.1: 7,562 of 1,036,700 alleles (0.73%); highest among the groups gnomAD compares: Non-Finnish European, 0.87%; 41 homozygotes.

Submissions (9):

CeGaT Center for Human Genetics Tuebingen
Classification: Likely benign. Last evaluated: 2026-09-01. Review status: criteria provided, single submitter. Criteria: CeGaT Center For Human Genetics Tuebingen Variant Classification Criteria Version 2. Collection method: clinical testing. Allele origin: germline. Affected: yes. Observed: 70 variant alleles.
Comment: MSH6: BS2

Labcorp Genetics (formerly Invitae), Labcorp
Classification: Benign for Hereditary nonpolyposis colorectal neoplasms. Last evaluated: 2025-08-07. Review status: criteria provided, single submitter. Criteria: Invitae Variant Classification Sherloc (09022015). Collection method: clinical testing. Allele origin: germline.

Mendelics
Classification: Likely benign for Hereditary cancer. Last evaluated: 2024-01-23. Review status: criteria provided, single submitter. Criteria: ACMG Guidelines, 2015. Collection method: clinical testing. Allele origin: unknown.

Department of Pathology and Laboratory Medicine, Sinai Health System
Classification: Likely benign for Endometrial carcinoma; Lynch syndrome 5. Last evaluated: 2021-06-08. Review status: criteria provided, single submitter. Criteria: ACMG Guidelines, 2015. Collection method: clinical testing. Allele origin: germline. Affected: yes.

Genetic Services Laboratory, University of Chicago
Classification: Benign. Last evaluated: 2021-06-07. Review status: criteria provided, single submitter. Criteria: ACMG Guidelines, 2015. Collection method: clinical testing. Allele origin: germline. Affected: no.

Sema4
Classification: Benign for Hereditary cancer-predisposing syndrome. Last evaluated: 2020-10-22. Review status: criteria provided, single submitter. Criteria: Sema4 Curation Guidelines. Collection method: curation. Allele origin: germline.

Illumina Laboratory Services, Illumina
Classification: Uncertain significance for Lynch syndrome 5. Last evaluated: 2018-01-12. Review status: criteria provided, single submitter. Criteria: ICSL Variant Classification Criteria 13 December 2019. Collection method: clinical testing. Allele origin: germline.

Quest Diagnostics Nichols Institute San Juan Capistrano
Classification: Benign. Last evaluated: 2017-06-12. Review status: criteria provided, single submitter. Criteria: Quest Diagnostics criteria. Collection method: clinical testing. Allele origin: germline.

Mayo Clinic Laboratories, Mayo Clinic
Classification: Benign. Review status: no assertion criteria provided. Collection method: clinical testing. Allele origin: unknown. Not counted in ClinVar's aggregate classification.

Literature cited by the submitters: PubMed 19250818 (cited by Quest Diagnostics Nichols Institute San Juan Capistrano); PubMed 24689082 (cited by Quest Diagnostics Nichols Institute San Juan Capistrano).